The following is an entry in ClinVar:

ClinVar aggregate classification (germline): Uncertain significance (1 of 4 stars; one submission).

Conditions:
2-aminoadipic 2-oxoadipic aciduria (AAKAD). Also called: ALPHA-AMINOADIPIC AND ALPHA-KETOADIPIC ACIDURIA; Aminoadipic aciduria. Identifiers: Orphanet 79154, MedGen C1859817, MONDO:0008774, OMIM 204750.

gnomAD v4.1: 2 of 1,614,068 alleles (0.00012%); highest among the groups gnomAD compares: Non-Finnish European, 0.00017%; no homozygotes.

Submission:

Labcorp Genetics (formerly Invitae), Labcorp
Classification: Uncertain significance for 2-aminoadipic 2-oxoadipic aciduria. Last evaluated: 2024-07-22. Review status: criteria provided, single submitter. Criteria: Invitae Variant Classification Sherloc (09022015). Collection method: clinical testing. Allele origin: germline.
Comment: This sequence change replaces aspartic acid, which is acidic and polar, with tyrosine, which is neutral and polar, at codon 667 of the DHTKD1 protein (p.Asp667Tyr). This variant is not present in population databases (gnomAD no frequency). This variant has not been reported in the literature in individuals affected with DHTKD1-related conditions. Advanced modeling of protein sequence and biophysical properties (such as structural, functional, and spatial information, amino acid conservation, physicochemical variation, residue mobility, and thermodynamic stability) performed at Invitae indicates that this missense variant is expected to disrupt DHTKD1 protein function with a positive predictive value of 80%. In summary, the available evidence is currently insufficient to determine the role of this variant in disease. Therefore, it has been classified as a Variant of Uncertain Significance.

NM_018706.7(DHTKD1):c.1999G>T (p.Asp667Tyr)

Gene: DHTKD1 (dehydrogenase E1 and transketolase domain containing 1; plus strand). Cytogenetic location: 10p14.
Variant type: single nucleotide variant.
Coding change: c.1999G>T on transcript NM_018706.7 (MANE Select); coding-DNA position 1999, G replaced by T.
Protein change: p.Asp667Tyr; replaces aspartic acid 667 with tyrosine.
Molecular consequence: missense variant.
Genome position (GRCh38, 1-based): chr10:12,106,348, G>T. VCF-style: chr10-12106348-G-T. GRCh37 (hg19) VCF-style: chr10-12148347-G-T.
Other names: short protein forms D667Y.
Identifiers: ClinVar variation 3712308 (VCV003712308.2).
Genomic context (GRCh38, chr10:12,106,348, plus strand): 5'-GAATATGGGATGAGCATTGAGAGCCCAAAGTTACTGCCCCTGTGGGAGGCACAGTTTGGC[G>T]ATTTCTTCAATGGTGCCCAGATCATCTTTGACACATTCATCTCTGGAGGTTGGTGTCAGC-3'
Protein context (NP_061176.4, residues 657-677): LLPLWEAQFG[Asp667Tyr]FFNGAQIIFD